The following is an entry in ClinVar:

NM_000045.4(ARG1):c.599_601del (p.Met200del)

Genes: ARG1 (arginase 1; plus strand), MED23 (mediator complex subunit 23; minus strand). Cytogenetic location: 6q23.2.
Variant type: Deletion.
Coding change: c.599_601del on transcript NM_000045.4 (MANE Select); coding-DNA positions 599 to 601, 3 bases deleted (TGA; older notation c.599_601delTGA).
Protein change: p.Met200del; deletes methionine 200.
Molecular consequence: inframe deletion. On other transcripts: non-coding transcript variant (1), intron variant (2).
Genome position (GRCh38, 1-based): chr6:131,583,098-131,583,100, TGA deleted; deleting any 3 consecutive bases within chr6:131,583,097-131,583,100 gives the same sequence; the c. name uses the placement nearest the transcript's 3' end. VCF-style (leftmost placement, unchanged base first): chr6-131583096-AATG-A. GRCh37 (hg19) VCF-style: chr6-131904236-AATG-A.
Other names: c.623_625del, p.Met208del (NM_001244438.2); c.344_346del, p.Met115del (NM_001369020.1); c.4077+4610_4077+4612del (NM_001270521.2); c.4095+4610_4095+4612del (NM_015979.4); c.599_601del (NM_000045.3); short protein forms M200del, M115del, M208del.
Identifiers: ClinVar variation 571675 (VCV000571675.11), dbSNP rs1562360814, ClinGen allele CA891843331.

ClinVar aggregate classification (germline): Uncertain significance (1 of 4 stars; one submission).

Conditions:
Arginase deficiency. Also called: ARGININEMIA; ARG1 DEFICIENCY; Arginase 1 Deficiency. Identifiers: Orphanet 90, MedGen C0268548, MONDO:0008814, OMIM 207800.

Submission:

Labcorp Genetics (formerly Invitae), Labcorp
Classification: Uncertain significance for Arginase deficiency. Last evaluated: 2019-10-25. Review status: criteria provided, single submitter. Criteria: Invitae Variant Classification Sherloc (09022015). Collection method: clinical testing. Allele origin: germline.
Comment: This variant, c.599_601delTGA, results in the deletion of 1 amino acid of the ARG1 protein (p.Met200del), but otherwise preserves the integrity of the reading frame. This variant is not present in population databases (ExAC no frequency). Experimental studies and prediction algorithms are not available for this variant, and the functional significance of the deleted amino acid is currently unknown. This variant has been observed in combination with another ARG1 variant in an individual with clinical features of argininemia (Invitae). In summary, the available evidence is currently insufficient to determine the role of this variant in disease. Therefore, it has been classified as a Variant of Uncertain Significance.